The following is an entry in ClinVar:

ClinVar aggregate classification (germline): Uncertain significance (1 of 4 stars; one submission).

Submission:

Labcorp Genetics (formerly Invitae), Labcorp
Classification: Uncertain significance. Last evaluated: 2022-07-19. Review status: criteria provided, single submitter. Criteria: Invitae Variant Classification Sherloc (09022015). Collection method: clinical testing. Allele origin: germline.
Comment: This sequence change replaces glycine, which is neutral and non-polar, with glutamic acid, which is acidic and polar, at codon 426 of the TRPM1 protein (p.Gly426Glu). This variant is not present in population databases (gnomAD no frequency). This variant has not been reported in the literature in individuals affected with TRPM1-related conditions. ClinVar contains an entry for this variant (Variation ID: 1380858). Algorithms developed to predict the effect of missense changes on protein structure and function are either unavailable or do not agree on the potential impact of this missense change (SIFT: "Deleterious"; PolyPhen-2: "Benign"; Align-GVGD: "Class C0"). In summary, the available evidence is currently insufficient to determine the role of this variant in disease. Therefore, it has been classified as a Variant of Uncertain Significance.

NM_001252024.2(TRPM1):c.1343G>A (p.Gly448Glu)

Gene: TRPM1 (transient receptor potential cation channel subfamily M member 1; minus strand). Cytogenetic location: 15q13.3.
Variant type: single nucleotide variant.
Coding change: c.1343G>A on transcript NM_001252024.2 (MANE Select); coding-DNA position 1343, G replaced by A.
Protein change: p.Gly448Glu; replaces glycine 448 with glutamic acid.
Molecular consequence: missense variant.
Genome position (GRCh38, 1-based): chr15:31,050,503, C>T on the plus strand (G>A on the coding strand, the complement: TRPM1 is on the minus strand). VCF-style: chr15-31050503-C-T. GRCh37 (hg19) VCF-style: chr15-31342706-C-T.
Other names: c.1394G>A, p.Gly465Glu (NM_001252020.2); c.1277G>A, p.Gly426Glu (NM_002420.6); short protein forms G465E, G426E, G448E.
Identifiers: ClinVar variation 1380858 (VCV001380858.8), dbSNP rs2140941039, ClinGen allele CA391517833.